The following is an entry in ClinVar:

NM_004082.5(DCTN1):c.*49G>A

Gene: DCTN1 (dynactin subunit 1; minus strand). Cytogenetic location: 2p13.1.
Variant type: single nucleotide variant.
Coding change: c.*49G>A on transcript NM_004082.5 (MANE Select); 49 bases downstream of the stop codon, G replaced by A.
Molecular consequence: 3 prime UTR variant. On other transcripts: non-coding transcript variant (1).
Genome position (GRCh38, 1-based): chr2:74,361,450, C>T on the plus strand (G>A on the coding strand, the complement: DCTN1 is on the minus strand). VCF-style: chr2-74361450-C-T. GRCh37 (hg19) VCF-style: chr2-74588577-C-T.
Other names: c.*49G>A (NM_001135040.3, NM_001135041.3, NM_001190836.2 and 4 more transcripts).
Identifiers: ClinVar variation 337065 (VCV000337065.5), dbSNP rs368049781, ClinGen allele CA1721327.

ClinVar aggregate classification (germline): Likely benign. Review status: criteria provided, single submitter (1 of 4 stars). 2 submissions from 1 submitter: Likely benign (2). Last evaluated 2018-01-13.

Conditions:
Perry syndrome. Also called: PARKINSONISM WITH ALVEOLAR HYPOVENTILATION AND MENTAL DEPRESSION. Identifiers: Orphanet 178509, MedGen C1868594, MONDO:0008201, OMIM 168605.
Neuronopathy, distal hereditary motor, type 7B. Also called: HMN VIIB; LOWER MOTOR NEURON DISEASE, DYNACTIN TYPE; NEURONOPATHY, DISTAL HEREDITARY MOTOR, AUTOSOMAL DOMINANT 14; NEURONOPATHY, DISTAL HEREDITARY MOTOR, HARDING TYPE VIIB; NEUROPATHY, DISTAL HEREDITARY MOTOR, HARDING TYPE VIIB; NEUROPATHY, DISTAL HEREDITARY MOTOR, WITH VOCAL CORD PARALYSIS, HARDING TYPE VIIB. Identifiers: Orphanet 139589, MedGen C1843315, MONDO:0011879, OMIM 607641.

Allele frequency attached by ClinVar (database versions not stated): TOPMed 0.00002; ESP Exome Variant Server 0.00008; ExAC 0.00013; gnomAD 0.00013.
gnomAD v4.1: 118 of 1,612,168 alleles (0.0073%); highest among the groups gnomAD compares: Non-Finnish European, 0.0068%; no homozygotes.

Submissions (2):

Illumina Laboratory Services, Illumina
Classification: Likely benign for Neuronopathy, distal hereditary motor, type 7B. Last evaluated: 2018-01-13. Review status: criteria provided, single submitter. Criteria: ICSL Variant Classification Criteria 13 December 2019. Collection method: clinical testing. Allele origin: germline.
Comment: This variant was observed in the ICSL laboratory as part of a predisposition screen in an ostensibly healthy population. It had not been previously curated by ICSL or reported in the Human Gene Mutation Database (HGMD: prior to June 1st, 2018), and was therefore a candidate for classification through an automated scoring system. Utilizing variant allele frequency, disease prevalence and penetrance estimates, and inheritance mode, an automated score was calculated to assess if this variant is too frequent to cause the disease. Based on the score and internal cut-off values, a variant classified as likely benign is not then subjected to further curation. The score for this variant resulted in a classification of likely benign for this disease.

Illumina Laboratory Services, Illumina
Classification: Likely benign for Perry syndrome. Last evaluated: 2018-01-13. Review status: criteria provided, single submitter. Criteria: ICSL Variant Classification Criteria 13 December 2019. Collection method: clinical testing. Allele origin: germline.
Comment: the same text as in the submission from Illumina Laboratory Services, Illumina above.